The following is an entry in ClinVar:

ClinVar aggregate classification (germline): Uncertain significance (1 of 4 stars; one submission).

Conditions:
Dilated cardiomyopathy 1DD (CMD1DD). Identifiers: Orphanet 154, MedGen C2750995, MONDO:0013168, OMIM 613172.

gnomAD v4.1: 2 of 1,550,968 alleles (0.00013%); highest among the groups gnomAD compares: Non-Finnish European, 0.00017%; no homozygotes.

Submission:

Labcorp Genetics (formerly Invitae), Labcorp
Classification: Uncertain significance for Dilated cardiomyopathy 1DD. Last evaluated: 2025-03-03. Review status: criteria provided, single submitter. Criteria: Invitae Variant Classification Sherloc (09022015). Collection method: clinical testing. Allele origin: germline.
Comment: This sequence change replaces glycine, which is neutral and non-polar, with aspartic acid, which is acidic and polar, at codon 366 of the RBM20 protein (p.Gly366Asp). This variant is not present in population databases (gnomAD no frequency). This variant has not been reported in the literature in individuals affected with RBM20-related conditions. ClinVar contains an entry for this variant (Variation ID: 1468411). Invitae Evidence Modeling of protein sequence and biophysical properties (such as structural, functional, and spatial information, amino acid conservation, physicochemical variation, residue mobility, and thermodynamic stability) indicates that this missense variant is not expected to disrupt RBM20 protein function with a negative predictive value of 95%. In summary, the available evidence is currently insufficient to determine the role of this variant in disease. Therefore, it has been classified as a Variant of Uncertain Significance.

NM_001134363.3(RBM20):c.1097G>A (p.Gly366Asp)

Gene: RBM20 (RNA binding motif protein 20; plus strand). Cytogenetic location: 10q25.2.
Variant type: single nucleotide variant.
Coding change: c.1097G>A on transcript NM_001134363.3 (MANE Select); coding-DNA position 1097, G replaced by A.
Protein change: p.Gly366Asp; replaces glycine 366 with aspartic acid.
Molecular consequence: missense variant.
Genome position (GRCh38, 1-based): chr10:110,781,706, G>A. VCF-style: chr10-110781706-G-A. GRCh37 (hg19) VCF-style: chr10-112541464-G-A.
Other names: short protein forms G366D.
Identifiers: ClinVar variation 1468411 (VCV001468411.8), dbSNP rs1201270166, ClinGen allele CA378385602.
Genomic context (GRCh38, chr10:110,781,706, plus strand): 5'-CCTATGAGCTGTACGACCCCGAGGAACCAACCTCAGACAGGACACCTCCTTCCTTCGGGG[G>A]TCGGCTTAACAACAGCAAACAGGGTTTTATCGGTGCTGGGCGGAGGGCCAAGGAGGACCA-3'
Protein context (NP_001127835.2, residues 356-376): TSDRTPPSFG[Gly366Asp]RLNNSKQGFI